The following is an entry in ClinVar:

NM_001008215.3(COA5):c.99+184T>C

Gene: COA5 (cytochrome c oxidase assembly factor 5; minus strand). Cytogenetic location: 2q11.2.
Variant type: single nucleotide variant.
Coding change: c.99+184T>C on transcript NM_001008215.3 (MANE Select); 184 bases into the intron after coding-DNA position 99, T replaced by C.
Molecular consequence: intron variant.
Genome position (GRCh38, 1-based): chr2:98,608,123, A>G on the plus strand (T>C on the coding strand, the complement: COA5 is on the minus strand). VCF-style: chr2-98608123-A-G. GRCh37 (hg19) VCF-style: chr2-99224586-A-G.
Identifiers: ClinVar variation 679486 (VCV000679486.1), dbSNP rs116509552, ClinGen allele CA52674194.

ClinVar aggregate classification (germline): Likely benign (1 of 4 stars; one submission).

Allele frequency attached by ClinVar (database versions not stated): gnomAD exomes 0.00148; gnomAD 0.01184 and 0.01287; 1000 Genomes Project 0.01238; TOPMed 0.01368; 1000 Genomes Project 30x 0.01437.
gnomAD v4.1: 2,512 of 613,194 alleles (0.41%); highest among the groups gnomAD compares: African/African-American, 4.2%; 46 homozygotes.

Submission:

GeneDx
Classification: Likely benign. Last evaluated: 2018-06-16. Review status: criteria provided, single submitter. Criteria: GeneDx Variant Classification (06012015). Collection method: clinical testing. Allele origin: germline. Affected: yes.
Comment: This variant is considered likely benign or benign based on one or more of the following criteria: it is a conservative change, it occurs at a poorly conserved position in the protein, it is predicted to be benign by multiple in silico algorithms, and/or has population frequency not consistent with disease.